The following is an entry in ClinVar:

ClinVar aggregate classification (germline): Uncertain significance (1 of 4 stars; one submission).

Allele frequency attached by ClinVar (database versions not stated): gnomAD 0.00001; gnomAD exomes 0.00001 and 0.00002; TOPMed 0.00001; ExAC 0.00002.
gnomAD v4.1: 15 of 1,613,464 alleles (0.00093%); highest among the groups gnomAD compares: East Asian, 0.0067%; no homozygotes.

Submission:

Labcorp Genetics (formerly Invitae), Labcorp
Classification: Uncertain significance. Last evaluated: 2020-03-03. Review status: criteria provided, single submitter. Criteria: Invitae Variant Classification Sherloc (09022015). Collection method: clinical testing. Allele origin: germline.
Comment: In summary, the available evidence is currently insufficient to determine the role of this variant in disease. Therefore, it has been classified as a Variant of Uncertain Significance. Algorithms developed to predict the effect of missense changes on protein structure and function are either unavailable or do not agree on the potential impact of this missense change (SIFT: "Deleterious"; PolyPhen-2: "Probably Damaging"; Align-GVGD: "Class C0"). This variant has not been reported in the literature in individuals with CLUAP1-related conditions. This variant is present in population databases (rs750671279, ExAC 0.01%). This sequence change replaces arginine with cysteine at codon 28 of the CLUAP1 protein (p.Arg28Cys). The arginine residue is moderately conserved and there is a large physicochemical difference between arginine and cysteine.

NM_015041.3(CLUAP1):c.82C>T (p.Arg28Cys)

Gene: CLUAP1 (clusterin associated protein 1; plus strand). Cytogenetic location: 16p13.3.
Variant type: single nucleotide variant.
Coding change: c.82C>T on transcript NM_015041.3 (MANE Select); coding-DNA position 82, C replaced by T.
Protein change: p.Arg28Cys; replaces arginine 28 with cysteine.
Molecular consequence: missense variant.
Genome position (GRCh38, 1-based): chr16:3,504,779, C>T. VCF-style: chr16-3504779-C-T. GRCh37 (hg19) VCF-style: chr16-3554779-C-T.
Other names: c.82C>T, p.Arg28Cys (NM_001330454.2); short protein forms R28C.
Identifiers: ClinVar variation 939888 (VCV000939888.9), dbSNP rs750671279, ClinGen allele CA7863590.